The following is an entry in ClinVar:

ClinVar aggregate classification (germline): Uncertain significance (1 of 4 stars; one submission).

Submission:

Labcorp Genetics (formerly Invitae), Labcorp
Classification: Uncertain significance. Last evaluated: 2025-01-22. Review status: criteria provided, single submitter. Criteria: Invitae Variant Classification Sherloc (09022015). Collection method: clinical testing. Allele origin: germline.
Comment: This sequence change replaces lysine, which is basic and polar, with glutamic acid, which is acidic and polar, at codon 946 of the COL4A2 protein (p.Lys946Glu). This variant is not present in population databases (gnomAD no frequency). This variant has not been reported in the literature in individuals affected with COL4A2-related conditions. Invitae Evidence Modeling of protein sequence and biophysical properties (such as structural, functional, and spatial information, amino acid conservation, physicochemical variation, residue mobility, and thermodynamic stability) indicates that this missense variant is not expected to disrupt COL4A2 protein function with a negative predictive value of 95%. In summary, the available evidence is currently insufficient to determine the role of this variant in disease. Therefore, it has been classified as a Variant of Uncertain Significance.

NM_001846.4(COL4A2):c.2836A>G (p.Lys946Glu)

Gene: COL4A2 (collagen type IV alpha 2 chain; plus strand). Cytogenetic location: 13q34.
Variant type: single nucleotide variant.
Coding change: c.2836A>G on transcript NM_001846.4 (MANE Select); coding-DNA position 2836, A replaced by G.
Protein change: p.Lys946Glu; replaces lysine 946 with glutamic acid.
Molecular consequence: missense variant.
Genome position (GRCh38, 1-based): chr13:110,482,593, A>G. VCF-style: chr13-110482593-A-G. GRCh37 (hg19) VCF-style: chr13-111134940-A-G.
Other names: short protein forms K946E.
Identifiers: ClinVar variation 3672530 (VCV003672530.2).